The following is an entry in ClinVar:

ClinVar aggregate classification (germline): Likely benign (0 of 4 stars; one submission).

Conditions:
WDFY3-related disorder.

Allele frequency attached by ClinVar (database versions not stated): gnomAD exomes below 0.00001; gnomAD 0.00001; TOPMed 0.00001.
gnomAD v4.1: 3 of 1,611,640 alleles (0.00019%); highest among the groups gnomAD compares: Non-Finnish European, 0.00025%; no homozygotes.

Submission:

PreventionGenetics, part of Exact Sciences
Classification: Likely benign for WDFY3-related condition. Last evaluated: 2019-05-01. Review status: no assertion criteria provided. Collection method: clinical testing. Allele origin: germline.
Comment: This variant is classified as likely benign based on ACMG/AMP sequence variant interpretation guidelines (Richards et al. 2015 PMID: 25741868, with internal and published modifications).

NM_014991.6(WDFY3):c.309T>C (p.Ala103=)

Gene: WDFY3 (WD repeat and FYVE domain containing 3; minus strand). Cytogenetic location: 4q21.23.
Variant type: single nucleotide variant.
Coding change: c.309T>C on transcript NM_014991.6 (MANE Select); coding-DNA position 309, T replaced by C.
Protein change: p.Ala103=; no amino-acid change (alanine 103 retained).
Molecular consequence: synonymous variant.
Genome position (GRCh38, 1-based): chr4:84,841,259, A>G on the plus strand (T>C on the coding strand, the complement: WDFY3 is on the minus strand). VCF-style: chr4-84841259-A-G. GRCh37 (hg19) VCF-style: chr4-85762412-A-G.
Identifiers: ClinVar variation 3038374 (VCV003038374.2), dbSNP rs1418023486, ClinGen allele CA440125996.